The following is an entry in ClinVar:

NM_015354.3(NUP188):c.5003G>A (p.Arg1668Gln)

Gene: NUP188 (nucleoporin 188; plus strand). Cytogenetic location: 9q34.11.
Variant type: single nucleotide variant.
Coding change: c.5003G>A on transcript NM_015354.3 (MANE Select); coding-DNA position 5003, G replaced by A.
Protein change: p.Arg1668Gln; replaces arginine 1668 with glutamine.
Molecular consequence: missense variant.
Genome position (GRCh38, 1-based): chr9:129,006,298, G>A. VCF-style: chr9-129006298-G-A. GRCh37 (hg19) VCF-style: chr9-131768577-G-A.
Other names: short protein forms R1668Q.
Identifiers: ClinVar variation 2636086 (VCV002636086.24), dbSNP rs200712113, ClinGen allele CA5273531.

ClinVar aggregate classification (germline): Conflicting classifications of pathogenicity. Review status: criteria provided, conflicting classifications (1 of 4 stars). 2 submissions from 2 submitters: Uncertain significance (1); Likely benign (1). Last evaluated 2025-09-01.

Conditions:
NUP188-related disorder. Also called: NUP188-related condition.

Allele frequency attached by ClinVar (database versions not stated): ESP Exome Variant Server 0.00031; 1000 Genomes Project 0.00040; ExAC 0.00045; 1000 Genomes Project 30x 0.00047; TOPMed 0.00058; gnomAD 0.00065.
gnomAD v4.1: 1,145 of 1,614,126 alleles (0.071%); highest among the groups gnomAD compares: Middle Eastern, 0.12%; 3 homozygotes.

Submissions (2):

CeGaT Center for Human Genetics Tuebingen
Classification: Likely benign. Last evaluated: 2025-09-01. Review status: criteria provided, single submitter. Criteria: CeGaT Center For Human Genetics Tuebingen Variant Classification Criteria Version 2. Collection method: clinical testing. Allele origin: germline. Affected: yes. Observed: 2 variant alleles.
Comment: NUP188: BS2

PreventionGenetics, part of Exact Sciences
Classification: Uncertain significance for NUP188-related condition. Last evaluated: 2023-01-16. Review status: criteria provided, single submitter. Criteria: ACMG Guidelines, 2015. Collection method: clinical testing. Allele origin: germline.
Comment: The NUP188 c.5003G>A variant is predicted to result in the amino acid substitution p.Arg1668Gln. To our knowledge, this variant has not been reported in the literature. This variant is reported in 0.096% of alleles in individuals of Ashkenazi Jewish descent in gnomAD. At this time, the clinical significance of this variant is uncertain due to the absence of conclusive functional and genetic evidence.